The following is an entry in ClinVar:

ClinVar aggregate classification (germline): Likely benign. Review status: criteria provided, multiple submitters, no conflicts (2 of 4 stars). 2 submissions from 2 submitters: Likely benign (2). Last evaluated 2025-08-20.

Conditions:
Norman-Roberts syndrome (LIS2). Also called: Lissencephaly 2 (Norman-Roberts type). Identifiers: Orphanet 89844, MedGen C0796089, MONDO:0009760, OMIM 257320.
Familial temporal lobe epilepsy 7. Identifiers: Orphanet 101046, MedGen C4225327, MONDO:0014639, OMIM 616436.

gnomAD v4.1: 3 of 1,604,894 alleles (0.00019%); highest among the groups gnomAD compares: Non-Finnish European, 0.00026%; no homozygotes.

Submissions (2):

Labcorp Genetics (formerly Invitae), Labcorp
Classification: Likely benign for Familial temporal lobe epilepsy 7; Norman-Roberts syndrome. Last evaluated: 2025-08-20. Review status: criteria provided, single submitter. Criteria: Invitae Variant Classification Sherloc (09022015). Collection method: clinical testing. Allele origin: germline.

Women's Health and Genetics/Laboratory Corporation of America, LabCorp
Classification: Likely benign. Last evaluated: 2024-10-09. Review status: criteria provided, single submitter. Criteria: LabCorp Variant Classification Summary - May 2015. Collection method: clinical testing. Allele origin: germline.
Comment: Variant summary: RELN c.5211-20T>G alters a non-conserved nucleotide located at a position not widely known to affect splicing. Consensus agreement among computation tools predict no significant impact on normal splicing. However, these predictions have yet to be confirmed by functional studies. The variant allele was found at a frequency of 4.3e-06 in 234632 control chromosomes. The available data on variant occurrences in the general population are insufficient to allow any conclusion about variant significance. To our knowledge, no occurrence of c.5211-20T>G in individuals affected with Epilepsy Familial Temporal Lobe 7 and no experimental evidence demonstrating its impact on protein function have been reported. No submitters have cited clinical-significance assessments for this variant to ClinVar. Based on the evidence outlined above, the variant was classified as likely benign.

NM_005045.4(RELN):c.5211-20T>G

Gene: RELN (reelin; minus strand). Cytogenetic location: 7q22.1.
Variant type: single nucleotide variant.
Coding change: c.5211-20T>G on transcript NM_005045.4 (MANE Select); 20 bases into the intron before coding-DNA position 5211, T replaced by G.
Molecular consequence: intron variant.
Genome position (GRCh38, 1-based): chr7:103,561,973, A>C on the plus strand (T>G on the coding strand, the complement: RELN is on the minus strand). VCF-style: chr7-103561973-A-C. GRCh37 (hg19) VCF-style: chr7-103202420-A-C.
Other names: c.5211-20T>G (NM_173054.3).
Identifiers: ClinVar variation 3384808 (VCV003384808.2).